The following is an entry in ClinVar:

NC_000016.9:g.(?_3632337)_(3658971_?)dup

Genes: SLX4 (SLX4 structure-specific endonuclease subunit; minus strand), LOC130058346 (ATAC-STARR-seq lymphoblastoid active region 10329; plus strand). Cytogenetic location: 16p13.3.
Variant type: Duplication.
Identifiers: ClinVar variation 526502 (VCV000526502.1).

ClinVar aggregate classification (germline): Uncertain significance (1 of 4 stars; one submission).

Conditions:
Fanconi anemia (FA). Also called: Fanconi's anemia. Identifiers: Orphanet 84, MedGen C0015625, MeSH D005199, MONDO:0019391.

Submission:

Labcorp Genetics (formerly Invitae), Labcorp
Classification: Uncertain significance for Fanconi anemia. Last evaluated: 2017-09-18. Review status: criteria provided, single submitter. Criteria: Invitae Variant Classification Sherloc (09022015). Collection method: clinical testing. Allele origin: germline.
Comment: A gross duplication of the genomic region encompassing the full coding sequence of the SLX4 gene has been identified. The boundaries of this event are unknown as the duplication extends beyond the assayed region for this gene and therefore may encompass additional genes. As the precise location of this duplication is unknown, it may be in tandem or it may be located elsewhere in the genome. This variant has not been reported in the literature in individuals with SLX4-related disease. In summary, the available evidence is currently insufficient to determine the role of this variant in disease. Therefore, it has been classified as a Variant of Uncertain Significance.